The following is an entry in ClinVar:

ClinVar aggregate classification (germline): Pathogenic (1 of 4 stars; one submission).

Conditions:
Hereditary factor VIII deficiency disease (HEMA). Also called: HEMOPHILIA, CLASSIC; AUTOSOMAL HEMOPHILIA A; Hemophilia A; Hemophilia A, congenital; HEM A; Factor 8 deficiency, congenital. Identifiers: Orphanet 98878, MedGen C0019069, MONDO:0010602, OMIM 306700.

Submission:

Myriad Genetics, Inc.
Classification: Pathogenic for Hereditary factor VIII deficiency disease. Last evaluated: 2025-05-02. Review status: criteria provided, single submitter. Criteria: Myriad Autosomal Dominant, Autosomal Recessive and X-Linked Classification Criteria (2023). Collection method: clinical testing. Allele origin: unknown.
Comment: NM_000132.3(F8):c.871G>T(E291*) is a nonsense variant classified as pathogenic in the context of hemophilia A. E291* has been observed in cases with relevant disease (PMID: 11298607, 32026663). Relevant functional assessments of this variant are not available in the literature. E291* has not been observed in referenced population frequency databases. In summary, NM_000132.3(F8):c.871G>T(E291*) is a nonsense variant in a gene where loss of function is a known mechanism of disease, is predicted to disrupt protein function, and has been observed more frequently in cases with the relevant disease than in healthy populations. Please note: this variant was assessed in the context of healthy population screening.

Literature cited by the submitters: PubMed 11298607; PubMed 32026663.

NM_000132.4(F8):c.871G>T (p.Glu291Ter)

Gene: F8 (coagulation factor VIII; minus strand). Cytogenetic location: Xq28.
Variant type: single nucleotide variant.
Coding change: c.871G>T on transcript NM_000132.4 (MANE Select); coding-DNA position 871, G replaced by T.
Protein change: p.Glu291Ter; replaces glutamic acid 291 with a stop codon.
Molecular consequence: nonsense.
Genome position (GRCh38, 1-based): chrX:154,969,469, C>A on the plus strand (G>T on the coding strand, the complement: F8 is on the minus strand). VCF-style: chrX-154969469-C-A. GRCh37 (hg19) VCF-style: chrX-154197744-C-A.
Other names: short protein forms E291*.
Identifiers: ClinVar variation 4081657 (VCV004081657.1).
Genomic context (GRCh38, chrX:154,969,469, plus strand): 5'-TTATTGGCGAGATTTCCAAGGACGCCTGGCGATGGTTCCTCACAAGAAATGTGTGACCTT[C>A]GAGGAATATTGAGTGCACTTCAGGAGTGGTGCCCATTCCAATCACATGCCAATAGACTGA-3'